The following is an entry in ClinVar:

NM_002734.5(PRKAR1A):c.757G>A (p.Val253Ile)

Gene: PRKAR1A (protein kinase cAMP-dependent type I regulatory subunit alpha; plus strand). Cytogenetic location: 17q24.2.
Variant type: single nucleotide variant.
Coding change: c.757G>A on transcript NM_002734.5 (MANE Select); coding-DNA position 757, G replaced by A.
Protein change: p.Val253Ile; replaces valine 253 with isoleucine.
Molecular consequence: missense variant.
Genome position (GRCh38, 1-based): chr17:68,527,888, G>A. VCF-style: chr17-68527888-G-A. GRCh37 (hg19) VCF-style: chr17-66524029-G-A.
Other names: c.757G>A (NM_002734.3); c.757G>A, p.Val253Ile (NM_001276289.2, NM_001276290.1, NM_001278433.2 and 4 more transcripts); short protein forms V253I.
Identifiers: ClinVar variation 2904408 (VCV002904408.4), dbSNP rs2509431050, ClinGen allele CA400753572.

ClinVar aggregate classification (germline): Uncertain significance. Review status: criteria provided, multiple submitters, no conflicts (2 of 4 stars). 2 submissions from 2 submitters: Uncertain significance (2). Last evaluated 2024-03-17.

Conditions:
Hereditary cancer-predisposing syndrome. Also called: Hereditary Cancer Syndrome; Hereditary neoplastic syndrome; Tumor predisposition; Neoplastic Syndromes, Hereditary. Identifiers: Orphanet 140162, MedGen C0027672, MeSH D009386, MONDO:0015356.
Carney complex, type 1 (CNC1). Also called: CARNEY COMPLEX, TYPE I; CARNEY MYXOMA-ENDOCRINE COMPLEX. Identifiers: Orphanet 1359, MedGen C2607929, MONDO:0008057, OMIM 160980.

Submissions (2):

Ambry Genetics
Classification: Uncertain significance for Hereditary cancer-predisposing syndrome. Last evaluated: 2024-03-17. Review status: criteria provided, single submitter. Criteria: Ambry Variant Classification Scheme 2023. Collection method: clinical testing. Allele origin: germline.
Comment: The p.V253I variant (also known as c.757G>A), located in coding exon 7 of the PRKAR1A gene, results from a G to A substitution at nucleotide position 757. The valine at codon 253 is replaced by isoleucine, an amino acid with highly similar properties. This amino acid position is conserved. In addition, the in silico prediction for this alteration is inconclusive. Based on the available evidence, the clinical significance of this alteration remains unclear.

Labcorp Genetics (formerly Invitae), Labcorp
Classification: Uncertain significance for Carney complex, type 1. Last evaluated: 2023-07-17. Review status: criteria provided, single submitter. Criteria: Invitae Variant Classification Sherloc (09022015). Collection method: clinical testing. Allele origin: germline.
Comment: In summary, the available evidence is currently insufficient to determine the role of this variant in disease. Therefore, it has been classified as a Variant of Uncertain Significance. Advanced modeling of protein sequence and biophysical properties (such as structural, functional, and spatial information, amino acid conservation, physicochemical variation, residue mobility, and thermodynamic stability) performed at Invitae indicates that this missense variant is not expected to disrupt PRKAR1A protein function. This variant has not been reported in the literature in individuals affected with PRKAR1A-related conditions. This variant is not present in population databases (gnomAD no frequency). This sequence change replaces valine, which is neutral and non-polar, with isoleucine, which is neutral and non-polar, at codon 253 of the PRKAR1A protein (p.Val253Ile).